The following is an entry in ClinVar:

NM_138817.3(SLC7A13):c.772A>G (p.Ile258Val)

Gene: SLC7A13 (solute carrier family 7 member 13; minus strand). Cytogenetic location: 8q21.3.
Variant type: single nucleotide variant.
Coding change: c.772A>G on transcript NM_138817.3 (MANE Select); coding-DNA position 772, A replaced by G.
Protein change: p.Ile258Val; replaces isoleucine 258 with valine.
Molecular consequence: missense variant.
Genome position (GRCh38, 1-based): chr8:86,223,017, T>C on the plus strand (A>G on the coding strand, the complement: SLC7A13 is on the minus strand). VCF-style: chr8-86223017-T-C. GRCh37 (hg19) VCF-style: chr8-87235246-T-C.
Other names: short protein forms I258V.
Identifiers: ClinVar variation 3605260 (VCV003605260.2).

ClinVar aggregate classification (germline): Uncertain significance (1 of 4 stars; one submission).

Submission:

Labcorp Genetics (formerly Invitae), Labcorp
Classification: Uncertain significance. Last evaluated: 2024-09-23. Review status: criteria provided, single submitter. Criteria: Invitae Variant Classification Sherloc (09022015). Collection method: clinical testing. Allele origin: germline.
Comment: This sequence change replaces isoleucine, which is neutral and non-polar, with valine, which is neutral and non-polar, at codon 258 of the SLC7A13 protein (p.Ile258Val). This variant is not present in population databases (gnomAD no frequency). This variant has not been reported in the literature in individuals affected with SLC7A13-related conditions. An algorithm developed to predict the effect of missense changes on protein structure and function outputs the following: PolyPhen-2: "Benign". The valine amino acid residue is found in multiple mammalian species, which suggests that this missense change does not adversely affect protein function. In summary, the available evidence is currently insufficient to determine the role of this variant in disease. Therefore, it has been classified as a Variant of Uncertain Significance.